The following is an entry in ClinVar:

NM_007194.4(CHEK2):c.451_472del (p.Gly151fs)

Gene: CHEK2 (checkpoint kinase 2; minus strand). Cytogenetic location: 22q12.1.
Variant type: Deletion.
Coding change: c.451_472del on transcript NM_007194.4 (MANE Select); coding-DNA positions 451 to 472, 22 bases deleted (GGTCCTAAAAACTCTTACATTG).
Protein change: p.Gly151fs; shifts the reading frame from glycine 151.
Molecular consequence: frameshift variant. On other transcripts: 5 prime UTR variant (2), intron variant (1).
Genome position (GRCh38, 1-based): chr22:28,725,097-28,725,118, CAATGTAAGAGTTTTTAGGACC deleted on the plus strand (GGTCCTAAAAACTCTTACATTG on the coding strand, the reverse complement: CHEK2 is on the minus strand); deleting any 22 consecutive bases within chr22:28,725,097-28,725,120 gives the same sequence; the c. name uses the placement nearest the transcript's 3' end. VCF-style (leftmost placement, unchanged base first): chr22-28725096-GCAATGTAAGAGTTTTTAGGACC-G. GRCh37 (hg19) VCF-style: chr22-29121084-GCAATGTAAGAGTTTTTAGGACC-G.
Other names: c.580_601del, p.Gly194fs (NM_001005735.3, NM_001438294.1); c.-327_-306del (NM_001257387.3); c.-213_-192del (NM_001437942.1); c.544_565del, p.Gly182fs (NM_001438293.1, NM_001438295.1); c.451_472del, p.Gly151fs (NM_145862.3); c.444+125_444+146del (NM_001349956.3); c.451_472delGGTCCTAAAAACTCTTACATTG (NM_007194.3); short protein forms G151fs, G194fs, G182fs.
Identifiers: ClinVar variation 491615 (VCV000491615.7), dbSNP rs1555926975, ClinGen allele CA658684263.

ClinVar aggregate classification (germline): Pathogenic. Review status: criteria provided, multiple submitters, no conflicts (2 of 4 stars). 3 submissions from 3 submitters: Pathogenic (3). Last evaluated 2024-12-23.

Conditions:
Hereditary cancer-predisposing syndrome. Also called: Hereditary Cancer Syndrome; Neoplastic Syndromes, Hereditary; Tumor predisposition; Hereditary neoplastic syndrome. Identifiers: Orphanet 140162, MedGen C0027672, MeSH D009386, MONDO:0015356.
Familial cancer of breast. Also called: BREAST CANCER, FAMILIAL; Hereditary breast cancer; hereditary breast carcinoma. Identifiers: Orphanet 227535, MedGen C0346153, MONDO:0016419, OMIM 114480. Disease mechanism: loss of function.

Submissions (3):

Ambry Genetics
Classification: Pathogenic for Hereditary cancer-predisposing syndrome. Last evaluated: 2024-12-23. Review status: criteria provided, single submitter. Criteria: Ambry Variant Classification Scheme 2023. Collection method: clinical testing. Allele origin: germline.
Comment: The c.451_472del22 pathogenic mutation, located in coding exon 3 of the CHEK2 gene, results from a deletion of 22 nucleotides at nucleotide positions 451 to 472, causing a translational frameshift with a predicted alternate stop codon (p.G151Hfs*3). This variant is considered to be rare based on population cohorts in the Genome Aggregation Database (gnomAD). This alteration is expected to result in loss of function by premature protein truncation or nonsense-mediated mRNA decay. As such, this alteration is interpreted as a disease-causing mutation.

Myriad Genetics, Inc.
Classification: Pathogenic for Familial cancer of breast. Last evaluated: 2023-06-23. Review status: criteria provided, single submitter. Criteria: Myriad Autosomal Dominant, Autosomal Recessive and X-Linked Classification Criteria (2023). Collection method: clinical testing. Allele origin: unknown.
Comment: This variant is considered pathogenic. This variant creates a frameshift predicted to result in premature protein truncation.

Color Diagnostics, LLC DBA Color Health
Classification: Pathogenic for Hereditary cancer-predisposing syndrome. Last evaluated: 2020-09-02. Review status: criteria provided, single submitter. Criteria: ACMG Guidelines, 2015. Collection method: clinical testing. Allele origin: germline.
Comment: This variant deletes 22 nucleotides in exon 4 of the CHEK2 gene, creating a frameshift and premature translation stop signal. This variant is expected to result in an absent or non-functional protein product. To our knowledge, this variant has not been reported in individuals affected with hereditary cancer in the literature. This variant has not been identified in the general population by the Genome Aggregation Database (gnomAD). Loss of CHEK2 function is a known mechanism of disease. Based on the available evidence, this variant is classified as Pathogenic.